The following is an entry in ClinVar:

ClinVar aggregate classification (germline): Likely benign (0 of 4 stars; one submission).

Conditions:
PPFIA1-related disorder. Also called: PPFIA1-related condition.

Allele frequency attached by ClinVar (database versions not stated): gnomAD exomes below 0.00001; ExAC 0.00002; gnomAD 0.00007; ESP Exome Variant Server 0.00008; TOPMed 0.00014.
gnomAD v4.1: 19 of 1,614,070 alleles (0.0012%); highest among the groups gnomAD compares: Admixed American, 0.017%; no homozygotes.

Submission:

PreventionGenetics, part of Exact Sciences
Classification: Likely benign for PPFIA1-related condition. Last evaluated: 2019-02-21. Review status: no assertion criteria provided. Collection method: clinical testing. Allele origin: germline.
Comment: This variant is classified as likely benign based on ACMG/AMP sequence variant interpretation guidelines (Richards et al. 2015 PMID: 25741868, with internal and published modifications).

NM_003626.5(PPFIA1):c.132A>G (p.Leu44=)

Gene: PPFIA1 (PTPRF interacting protein alpha 1; plus strand). Cytogenetic location: 11q13.3.
Variant type: single nucleotide variant.
Coding change: c.132A>G on transcript NM_003626.5 (MANE Select); coding-DNA position 132, A replaced by G.
Protein change: p.Leu44=; no amino-acid change (leucine 44 retained).
Molecular consequence: synonymous variant. On other transcripts: non-coding transcript variant (1).
Genome position (GRCh38, 1-based): chr11:70,272,304, A>G. VCF-style: chr11-70272304-A-G. GRCh37 (hg19) VCF-style: chr11-70118410-A-G.
Other names: c.132A>G, p.Leu44= (NM_001378006.1, NM_177423.3).
Identifiers: ClinVar variation 3058448 (VCV003058448.2), dbSNP rs370960981, ClinGen allele CA6158553.